The following is an entry in ClinVar:

ClinVar aggregate classification (germline): Uncertain significance (1 of 4 stars; one submission).

Conditions:
Bardet-Biedl syndrome (BBS). Identifiers: Orphanet 110, MedGen C0752166, MONDO:0015229.

Allele frequency attached by ClinVar (database versions not stated): gnomAD exomes below 0.00001; ExAC 0.00001.
gnomAD v4.1: 3 of 1,613,672 alleles (0.00019%); highest among the groups gnomAD compares: East Asian, 0.0022%; no homozygotes.

Submission:

Labcorp Genetics (formerly Invitae), Labcorp
Classification: Uncertain significance for Bardet-Biedl syndrome. Last evaluated: 2023-08-30. Review status: criteria provided, single submitter. Criteria: Invitae Variant Classification Sherloc (09022015). Collection method: clinical testing. Allele origin: germline.
Comment: In summary, the available evidence is currently insufficient to determine the role of this variant in disease. Therefore, it has been classified as a Variant of Uncertain Significance. This sequence change replaces cysteine, which is neutral and slightly polar, with tyrosine, which is neutral and polar, at codon 133 of the BBS7 protein (p.Cys133Tyr). This variant is present in population databases (rs769735978, gnomAD 0.0009%). This variant has not been reported in the literature in individuals affected with BBS7-related conditions. ClinVar contains an entry for this variant (Variation ID: 1390467). Advanced modeling of protein sequence and biophysical properties (such as structural, functional, and spatial information, amino acid conservation, physicochemical variation, residue mobility, and thermodynamic stability) performed at Invitae indicates that this missense variant is not expected to disrupt BBS7 protein function.

NM_176824.3(BBS7):c.398G>A (p.Cys133Tyr)

Gene: BBS7 (Bardet-Biedl syndrome 7; minus strand). Cytogenetic location: 4q27.
Variant type: single nucleotide variant.
Coding change: c.398G>A on transcript NM_176824.3 (MANE Select); coding-DNA position 398, G replaced by A.
Protein change: p.Cys133Tyr; replaces cysteine 133 with tyrosine.
Molecular consequence: missense variant.
Genome position (GRCh38, 1-based): chr4:121,859,122, C>T on the plus strand (G>A on the coding strand, the complement: BBS7 is on the minus strand). VCF-style: chr4-121859122-C-T. GRCh37 (hg19) VCF-style: chr4-122780277-C-T.
Other names: c.398G>A, p.Cys133Tyr (NM_018190.4); short protein forms C133Y.
Identifiers: ClinVar variation 1390467 (VCV001390467.6), dbSNP rs769735978, ClinGen allele CA3064517.